The following is an entry in ClinVar:

ClinVar aggregate classification (germline): Uncertain significance (1 of 4 stars; one submission).

Submission:

GeneDx
Classification: Uncertain significance. Last evaluated: 2019-09-23. Review status: criteria provided, single submitter. Criteria: GeneDx Variant Classification Process June 2021. Collection method: clinical testing. Allele origin: germline. Affected: yes.
Comment: Not observed in large population cohorts (Lek et al., 2016); In silico analysis, which includes protein predictors and evolutionary conservation, supports a deleterious effect; This variant is associated with the following publications: (PMID: 30006632)

NM_001104631.2(PDE4D):c.2029T>G (p.Tyr677Asp)

Gene: PDE4D (phosphodiesterase 4D; minus strand). Cytogenetic location: 5q11.2.
Variant type: single nucleotide variant.
Coding change: c.2029T>G on transcript NM_001104631.2 (MANE Select); coding-DNA position 2029, T replaced by G.
Protein change: p.Tyr677Asp; replaces tyrosine 677 with aspartic acid.
Molecular consequence: missense variant.
Genome position (GRCh38, 1-based): chr5:58,975,065, A>C on the plus strand (T>G on the coding strand, the complement: PDE4D is on the minus strand). VCF-style: chr5-58975065-A-C. GRCh37 (hg19) VCF-style: chr5-58270892-A-C.
Other names: c.1846T>G, p.Tyr616Asp (NM_001165899.2, NM_001364599.1); c.1837T>G, p.Tyr613Asp (NM_001197218.2); c.1663T>G, p.Tyr555Asp (NM_001197219.2); c.1639T>G, p.Tyr547Asp (NM_001197220.2); c.1123T>G, p.Tyr375Asp (NM_001197221.2, NM_001364603.1); c.1357T>G, p.Tyr453Asp (NM_001197222.2); c.1156T>G, p.Tyr386Asp (NM_001197223.2); c.1816T>G, p.Tyr606Asp (NM_001349241.2); and 3 more; short protein forms Y616D, Y677D, Y386D, Y453D, Y375D, Y421D, Y541D, Y547D.
Identifiers: ClinVar variation 451233 (VCV000451233.3), dbSNP rs1554033304, ClinGen allele CA359813632.